The following is an entry in ClinVar:

NM_002234.4(KCNA5):c.1408G>A (p.Ala470Thr)

Gene: KCNA5 (potassium voltage-gated channel subfamily A member 5; plus strand). Cytogenetic location: 12p13.32.
Variant type: single nucleotide variant.
Coding change: c.1408G>A on transcript NM_002234.4 (MANE Select); coding-DNA position 1408, G replaced by A.
Protein change: p.Ala470Thr; replaces alanine 470 with threonine.
Molecular consequence: missense variant.
Genome position (GRCh38, 1-based): chr12:5,045,555, G>A. VCF-style: chr12-5045555-G-A. GRCh37 (hg19) VCF-style: chr12-5154721-G-A.
Other names: short protein forms A470T.
Identifiers: ClinVar variation 2102516 (VCV002102516.4), dbSNP rs1862767295, ClinGen allele CA383466423.

ClinVar aggregate classification (germline): Uncertain significance (1 of 4 stars; one submission).

Conditions:
Atrial fibrillation, familial, 7 (ATFB7). Identifiers: MedGen C2677106, MONDO:0012828, OMIM 612240.

Allele frequency attached by ClinVar (database versions not stated): gnomAD exomes below 0.00001; TOPMed below 0.00001.
gnomAD v4.1: 2 of 1,614,200 alleles (0.00012%); highest among the groups gnomAD compares: Non-Finnish European, 0.00017%; no homozygotes.

Submission:

Labcorp Genetics (formerly Invitae), Labcorp
Classification: Uncertain significance for Atrial fibrillation, familial, 7. Last evaluated: 2022-03-26. Review status: criteria provided, single submitter. Criteria: Invitae Variant Classification Sherloc (09022015). Collection method: clinical testing. Allele origin: germline.
Comment: In summary, the available evidence is currently insufficient to determine the role of this variant in disease. Therefore, it has been classified as a Variant of Uncertain Significance. Algorithms developed to predict the effect of missense changes on protein structure and function are either unavailable or do not agree on the potential impact of this missense change (SIFT: "Deleterious"; PolyPhen-2: "Possibly Damaging"; Align-GVGD: "Class C0"). This variant has not been reported in the literature in individuals affected with KCNA5-related conditions. This variant is not present in population databases (gnomAD no frequency). This sequence change replaces alanine, which is neutral and non-polar, with threonine, which is neutral and polar, at codon 470 of the KCNA5 protein (p.Ala470Thr).